The following is an entry in ClinVar:

NM_170707.4(LMNA):c.383dup (p.Ala129fs)

Genes: LMNA (lamin A/C; plus strand), LOC126805877 (MED14-independent group 3 enhancer GRCh37_chr1:156099693-156100892; plus strand). Cytogenetic location: 1q22.
Variant type: Duplication.
Coding change: c.383dup on transcript NM_170707.4 (MANE Select); coding-DNA position 383, one base duplicated (T; older notation c.383dupT).
Protein change: p.Ala129fs; shifts the reading frame from alanine 129.
Molecular consequence: frameshift variant. On other transcripts: 5 prime UTR variant (7), intron variant (4).
Genome position (GRCh38, 1-based): chr1:156,130,643, T duplicated. VCF-style (leftmost placement, unchanged base first): chr1-156130642-A-AT. GRCh37 (hg19) VCF-style: chr1-156100433-A-AT.
Other names: c.47dup, p.Ala17fs (NM_001257374.3, NM_001406989.1, NM_001406998.1); c.140dup, p.Ala48fs (NM_001282624.2, NM_001406986.1, NM_001406987.1); c.383dup, p.Ala129fs (NM_001282625.2, NM_001282626.2, NM_001406983.1 and 6 more transcripts); c.86dup, p.Ala30fs (NM_001406988.1); c.-176dup (NM_001406993.1, NM_001406996.1, NM_001406997.1 and 1 more transcripts); c.-282dup (NM_001406994.1, NM_001406999.1, NM_001407000.1); c.-45-3760dup (NM_001407002.1, NM_001406995.1, NM_001406990.1); c.-151-3760dup (NM_001407001.1); and 1 more; short protein forms A129fs, A48fs, A17fs, A30fs.
Identifiers: ClinVar variation 2567286 (VCV002567286.5), dbSNP rs2527935805, ClinGen allele CA2580611201.

ClinVar aggregate classification (germline): Pathogenic. Review status: criteria provided, multiple submitters, no conflicts (2 of 4 stars). 2 submissions from 2 submitters: Pathogenic (2). Last evaluated 2025-05-01.

Conditions:
Charcot-Marie-Tooth disease type 2. Also called: Charcot-Marie-Tooth type 2. Identifiers: Orphanet 64746, MedGen C0270914, MONDO:0018993.
Cardiovascular phenotype. Identifiers: MedGen CN230736.

Submissions (2):

Labcorp Genetics (formerly Invitae), Labcorp
Classification: Pathogenic for Charcot-Marie-Tooth disease type 2. Last evaluated: 2025-05-01. Review status: criteria provided, single submitter. Criteria: Invitae Variant Classification Sherloc (09022015). Collection method: clinical testing. Allele origin: germline.
Comment: This sequence change creates a premature translational stop signal (p.Ala129Serfs*26) in the LMNA gene. It is expected to result in an absent or disrupted protein product. Loss-of-function variants in LMNA are known to be pathogenic (PMID: 18585512, 18926329). This variant is not present in population databases (gnomAD no frequency). This premature translational stop signal has been observed in individual(s) with arrhythmogenic cardiomyopathy (PMID: 35470684). ClinVar contains an entry for this variant (Variation ID: 2567286). For these reasons, this variant has been classified as Pathogenic.

Ambry Genetics
Classification: Pathogenic for Cardiovascular phenotype. Last evaluated: 2023-05-30. Review status: criteria provided, single submitter. Criteria: Ambry Variant Classification Scheme 2023. Collection method: clinical testing. Allele origin: germline.
Comment: The c.383dupT pathogenic mutation, located in coding exon 2 of the LMNA gene, results from a duplication of T at nucleotide position 383, causing a translational frameshift with a predicted alternate stop codon (p.A129Sfs*26). This mutation has been detected in a case with atrioventricular block (Resdal Dyssekilde J et al. J Am Heart Assoc, 2022 May;11:e025643). This variant is considered to be rare based on population cohorts in the Genome Aggregation Database (gnomAD). This alteration is expected to result in loss of function by premature protein truncation or nonsense-mediated mRNA decay. As such, this alteration is interpreted as a disease-causing mutation.

Literature cited by the submitters: PubMed 18585512 (cited by Labcorp Genetics (formerly Invitae), Labcorp); PubMed 18926329 (cited by Labcorp Genetics (formerly Invitae), Labcorp); PubMed 35470684 (cited by Labcorp Genetics (formerly Invitae), Labcorp and Ambry Genetics).